The following is an entry in ClinVar:

NM_001267550.2(TTN):c.42319_42322dup (p.Ile14108fs)

Gene: TTN (titin; minus strand). Cytogenetic location: 2q31.2.
Variant type: Duplication.
Coding change: c.42319_42322dup on transcript NM_001267550.2 (MANE Select); coding-DNA positions 42319 to 42322, 4 bases duplicated (CATA; older notation c.42319_42322dupCATA).
Protein change: p.Ile14108fs; shifts the reading frame from isoleucine 14108.
Molecular consequence: frameshift variant.
Genome position (GRCh38, 1-based): chr2:178,634,459-178,634,462, TATG duplicated on the plus strand (CATA on the coding strand, the reverse complement: TTN is on the minus strand); duplicating any 4 consecutive bases within chr2:178,634,459-178,634,463 gives the same sequence; the c. name uses the placement nearest the transcript's 3' end. VCF-style (leftmost placement, unchanged base first): chr2-178634458-A-ATATG. GRCh37 (hg19) VCF-style: chr2-179499185-A-ATATG.
Other names: c.37396_37399dup, p.Ile12467fs (NM_001256850.1); c.15124_15127dup, p.Ile5043fs (NM_003319.4); c.34615_34618dup, p.Ile11540fs (NM_133378.4); c.15499_15502dup, p.Ile5168fs (NM_133432.3); c.15700_15703dup, p.Ile5235fs (NM_133437.4); short protein forms I5235fs, I11540fs, I14108fs, I5043fs, I12467fs, I5168fs.
Identifiers: ClinVar variation 1042943 (VCV001042943.9), dbSNP rs2060173229, ClinGen allele CA1310557536.

ClinVar aggregate classification (germline): Likely pathogenic (1 of 4 stars; one submission).

Conditions:
Dilated cardiomyopathy 1G (CMD1G). Identifiers: Orphanet 154, MedGen C1858763, MONDO:0011400, OMIM 604145.
Autosomal recessive limb-girdle muscular dystrophy type 2J (LGMDR10). Also called: Limb-girdle muscular dystrophy, type 2J; MUSCULAR DYSTROPHY, LIMB-GIRDLE, AUTOSOMAL RECESSIVE 10. Identifiers: Orphanet 140922, MedGen C1837342, MONDO:0012127, OMIM 608807.

Submission:

Labcorp Genetics (formerly Invitae), Labcorp
Classification: Likely pathogenic for Dilated cardiomyopathy 1G; Autosomal recessive limb-girdle muscular dystrophy type 2J. Last evaluated: 2024-10-18. Review status: criteria provided, single submitter. Criteria: Invitae Variant Classification Sherloc (09022015). Collection method: clinical testing. Allele origin: germline.
Comment: This sequence change creates a premature translational stop signal (p.Ile14108Thrfs*6) in the TTN gene. While this is not anticipated to result in nonsense mediated decay, it is expected to create a truncated TTN protein. This variant is not present in population databases (gnomAD no frequency). This variant has not been reported in the literature in individuals affected with TTN-related conditions. ClinVar contains an entry for this variant (Variation ID: 1042943). This variant is located in the I band of TTN (PMID: 25589632). Truncating variants in this region have been reported in individuals affected with autosomal recessive centronuclear myopathy (PMID: 23975875, internal data). Truncating variants in this region have also been identified in individuals affected with autosomal dominant dilated cardiomyopathy and/or cardio-related conditions (PMID: 27869827, 32964742, internal data). In summary, the currently available evidence indicates that the variant is pathogenic, but additional data are needed to prove that conclusively. Therefore, this variant has been classified as Likely Pathogenic.

Literature cited by the submitters: PubMed 25589632; PubMed 23975875; PubMed 27869827; PubMed 32964742.